The following is an entry in ClinVar:

ClinVar aggregate classification (germline): Uncertain significance (1 of 4 stars; one submission).

Conditions:
3-methylglutaconic aciduria, type VIIB (MGCA7B). Also called: CLPB Deficiency; 3-methylglutaconic aciduria with cataracts, neurologic involvement and neutropenia; 3-methylglutaconic aciduria, type VII, with cataracts, neurologic involvement and neutropenia. Identifiers: Orphanet 445038, MedGen C5676893, MONDO:0014561, OMIM 616271.

Submission:

Labcorp Genetics (formerly Invitae), Labcorp
Classification: Uncertain significance for 3-methylglutaconic aciduria, type VIIB. Last evaluated: 2023-02-14. Review status: criteria provided, single submitter. Criteria: Invitae Variant Classification Sherloc (09022015). Collection method: clinical testing. Allele origin: germline.
Comment: Algorithms developed to predict the effect of sequence changes on RNA splicing suggest that this variant may disrupt the consensus splice site. Algorithms developed to predict the effect of missense changes on protein structure and function are either unavailable or do not agree on the potential impact of this missense change (SIFT: "Tolerated"; PolyPhen-2: "Possibly Damaging"; Align-GVGD: "Class C0"). This variant has not been reported in the literature in individuals affected with CLPB-related conditions. This variant is not present in population databases (gnomAD no frequency). This sequence change replaces glutamic acid, which is acidic and polar, with lysine, which is basic and polar, at codon 372 of the CLPB protein (p.Glu372Lys). In summary, the available evidence is currently insufficient to determine the role of this variant in disease. Therefore, it has been classified as a Variant of Uncertain Significance.

NM_001258392.3(CLPB):c.1024G>A (p.Glu342Lys)

Gene: CLPB (ClpB family mitochondrial disaggregase; minus strand). Cytogenetic location: 11q13.4.
Variant type: single nucleotide variant.
Coding change: c.1024G>A on transcript NM_001258392.3 (MANE Select); coding-DNA position 1024, G replaced by A.
Protein change: p.Glu342Lys; replaces glutamic acid 342 with lysine.
Molecular consequence: missense variant.
Genome position (GRCh38, 1-based): chr11:72,308,569, C>T on the plus strand (G>A on the coding strand, the complement: CLPB is on the minus strand). VCF-style: chr11-72308569-C-T. GRCh37 (hg19) VCF-style: chr11-72019613-C-T.
Other names: c.937G>A, p.Glu313Lys (NM_001258393.3); c.979G>A, p.Glu327Lys (NM_001258394.3); c.1114G>A, p.Glu372Lys (NM_030813.6); short protein forms E313K, E342K, E327K, E372K.
Identifiers: ClinVar variation 2837392 (VCV002837392.3), dbSNP rs2539367766, ClinGen allele CA381736376.
Genomic context (GRCh38, chr11:72,308,569, plus strand): 5'-TGATCTGCTCCCAATTACCTATTCCAGATGATCCCAAGAAGAGGAAGACCAGAGGGTGTT[C>T]TTCATCGTACCAGCCATTCTCCTTCCTCCGGATCGCTACGGCCAAACACACAAGATCAGG-3'
Protein context (NP_001245321.1, residues 332-352): RRKENGWYDE[Glu342Lys]HPLVFLFLGS